The following is an entry in ClinVar:

NM_002907.4(RECQL):c.1725A>C (p.Lys575Asn)

Genes: PYROXD1 (pyridine nucleotide-disulphide oxidoreductase domain 1; plus strand), RECQL (RecQ like helicase; minus strand). Cytogenetic location: 12p12.1.
Variant type: single nucleotide variant.
Coding change: c.1725A>C on transcript NM_002907.4 (MANE Select); coding-DNA position 1725, A replaced by C.
Protein change: p.Lys575Asn; replaces lysine 575 with asparagine.
Molecular consequence: missense variant. On other transcripts: 3 prime UTR variant (3).
Genome position (GRCh38, 1-based): chr12:21,471,041, T>G on the plus strand (A>C on the coding strand, the complement: RECQL is on the minus strand). VCF-style: chr12-21471041-T-G. GRCh37 (hg19) VCF-style: chr12-21623975-T-G.
Other names: c.1725A>C, p.Lys575Asn (NM_032941.3); c.*2287T>G (NM_001350912.2, NM_001350913.2, NM_024854.5); short protein forms K575N.
Identifiers: ClinVar variation 3944201 (VCV003944201.1).

ClinVar aggregate classification (germline): Uncertain significance (1 of 4 stars; one submission).

gnomAD v4.1: 1 of 1,602,396 alleles (0.000062%); highest among the groups gnomAD compares: African/African-American, 0.0013%; no homozygotes.

Submission:

Ambry Genetics
Classification: Uncertain significance. Last evaluated: 2025-04-04. Review status: criteria provided, single submitter. Criteria: Ambry Variant Classification Scheme 2023. Collection method: clinical testing. Allele origin: germline.
Comment: The p.K575N variant (also known as c.1725A>C), located in coding exon 13 of the RECQL gene, results from an A to C substitution at nucleotide position 1725. The lysine at codon 575 is replaced by asparagine, an amino acid with similar properties. This amino acid position is conserved. In addition, this alteration is predicted to be tolerated by in silico analysis. Based on the available evidence, the clinical significance of this variant remains unclear.